The following is an entry in ClinVar:

ClinVar aggregate classification (germline): Uncertain significance. Review status: criteria provided, multiple submitters, no conflicts (2 of 4 stars). 2 submissions from 2 submitters: Uncertain significance (2). Last evaluated 2022-07-11.

Conditions:
Muscular dystrophy-dystroglycanopathy (congenital with brain and eye anomalies), type A9. Also called: WALKER-WARBURG SYNDROME OR MUSCLE-EYE BRAIN DISEASE, DAG1-RELATED; Muscular dystrophy-dystroglycanopathy (congenital with brain and eye anomalies), type a, 9. Identifiers: Orphanet 370997, Orphanet 899, MedGen C4225291, MONDO:0014683, OMIM 616538.
Autosomal recessive limb-girdle muscular dystrophy type 2P. Also called: MUSCULAR DYSTROPHY-DYSTROGLYCANOPATHY, LIMB-GIRDLE, DAG1-RELATED; Limb-Girdle Muscular Dystrophy Type 9C; MUSCULAR DYSTROPHY, LIMB-GIRDLE, TYPE 2P. Identifiers: Orphanet 280333, MedGen C4511963, MONDO:0013440, OMIM 613818.

Allele frequency attached by ClinVar (database versions not stated): gnomAD exomes below 0.00001 and 0.00002; ExAC 0.00004; gnomAD 0.00005; TOPMed 0.00005; ESP Exome Variant Server 0.00008; 1000 Genomes Project 30x 0.00016; 1000 Genomes Project 0.00020.
gnomAD v4.1: 12 of 1,612,132 alleles (0.00074%); highest among the groups gnomAD compares: African/African-American, 0.013%; no homozygotes.

Submissions (2):

Labcorp Genetics (formerly Invitae), Labcorp
Classification: Uncertain significance for Autosomal recessive limb-girdle muscular dystrophy type 2P; Muscular dystrophy-dystroglycanopathy (congenital with brain and eye anomalies), type A9. Last evaluated: 2022-07-11. Review status: criteria provided, single submitter. Criteria: Invitae Variant Classification Sherloc (09022015). Collection method: clinical testing. Allele origin: germline.
Comment: This sequence change replaces threonine, which is neutral and polar, with alanine, which is neutral and non-polar, at codon 351 of the DAG1 protein (p.Thr351Ala). This variant is present in population databases (rs376991799, gnomAD 0.03%). This variant has not been reported in the literature in individuals affected with DAG1-related conditions. ClinVar contains an entry for this variant (Variation ID: 290192). Algorithms developed to predict the effect of missense changes on protein structure and function are either unavailable or do not agree on the potential impact of this missense change (SIFT: "Deleterious"; PolyPhen-2: "Possibly Damaging"; Align-GVGD: "Class C0"). Algorithms developed to predict the effect of sequence changes on RNA splicing suggest that this variant may create or strengthen a splice site. In summary, the available evidence is currently insufficient to determine the role of this variant in disease. Therefore, it has been classified as a Variant of Uncertain Significance.

Eurofins Ntd Llc (ga)
Classification: Uncertain significance. Last evaluated: 2016-08-09. Review status: criteria provided, single submitter. Criteria: EGL Classification Definitions 2015. Collection method: clinical testing. Allele origin: germline. Observed: 2 variant alleles, 2 heterozygotes.

NM_004393.6(DAG1):c.1051A>G (p.Thr351Ala)

Gene: DAG1 (dystroglycan 1; plus strand). Cytogenetic location: 3p21.31.
Variant type: single nucleotide variant.
Coding change: c.1051A>G on transcript NM_004393.6 (MANE Select); coding-DNA position 1051, A replaced by G.
Protein change: p.Thr351Ala; replaces threonine 351 with alanine.
Molecular consequence: missense variant.
Genome position (GRCh38, 1-based): chr3:49,531,562, A>G. VCF-style: chr3-49531562-A-G. GRCh37 (hg19) VCF-style: chr3-49568995-A-G.
Other names: c.1051A>G, p.Thr351Ala (NM_001177640.3, NM_001177641.3, NM_001177642.3 and 9 more transcripts); short protein forms T351A.
Identifiers: ClinVar variation 290192 (VCV000290192.12), dbSNP rs376991799, ClinGen allele CA2399003.